The following is an entry in ClinVar:

NM_021098.3(CACNA1H):c.2790-9C>T

Gene: CACNA1H (calcium voltage-gated channel subunit alpha1 H; plus strand). Cytogenetic location: 16p13.3.
Variant type: single nucleotide variant.
Coding change: c.2790-9C>T on transcript NM_021098.3 (MANE Select); 9 bases into the intron before coding-DNA position 2790, C replaced by T.
Molecular consequence: intron variant.
Genome position (GRCh38, 1-based): chr16:1,206,992, C>T. VCF-style: chr16-1206992-C-T. GRCh37 (hg19) VCF-style: chr16-1256992-C-T.
Other names: c.2790-9C>T (NM_001005407.2).
Identifiers: ClinVar variation 1621856 (VCV001621856.9), dbSNP rs1477219178, ClinGen allele CA620697681.

ClinVar aggregate classification (germline): Likely benign. Review status: criteria provided, multiple submitters, no conflicts (2 of 4 stars). 2 submissions from 2 submitters: Likely benign (2). Last evaluated 2025-12-05.

Conditions:
Idiopathic generalized epilepsy. Also called: Generalised epilepsy; EIG. Identifiers: MedGen C0270850, MONDO:0005579, OMIM 600669.
Hyperaldosteronism, familial, type IV (HALD4). Also called: FH IV; ALDOSTERONISM, PRIMARY, AND HYPERTENSION. Identifiers: Orphanet 642671, MedGen C4310756, MONDO:0014875, OMIM 617027.

Allele frequency attached by ClinVar (database versions not stated): gnomAD 0.00001; gnomAD exomes 0.00001.
gnomAD v4.1: 11 of 1,567,356 alleles (0.0007%); highest among the groups gnomAD compares: East Asian, 0.0093%; no homozygotes.

Submissions (2):

Labcorp Genetics (formerly Invitae), Labcorp
Classification: Likely benign for Idiopathic generalized epilepsy; Hyperaldosteronism, familial, type IV. Last evaluated: 2025-12-05. Review status: criteria provided, single submitter. Criteria: Invitae Variant Classification Sherloc (09022015). Collection method: clinical testing. Allele origin: germline.

Women's Health and Genetics/Laboratory Corporation of America, LabCorp
Classification: Likely benign. Last evaluated: 2025-10-20. Review status: criteria provided, single submitter. Criteria: LabCorp Variant Classification Summary - May 2015. Collection method: clinical testing. Allele origin: germline.
Comment: Variant summary: CACNA1H c.2790-9C>T alters a nucleotide located at a position not widely known to affect splicing. Consensus agreement among computation tools predict no significant impact on normal splicing. However, these predictions have yet to be confirmed by functional studies. The variant allele was found at a frequency of 5.1e-06 in 195184 control chromosomes. The available data on variant occurrences in the general population are insufficient to allow any conclusion about variant significance. To our knowledge, no occurrence of c.2790-9C>T in individuals affected with CACNA1H-related conditions and no experimental evidence demonstrating its impact on protein function have been reported. ClinVar contains an entry for this variant (Variation ID: 1621856). Based on the evidence outlined above, the variant was classified as likely benign.